The following is an entry in ClinVar:

ClinVar aggregate classification (germline): Uncertain significance (1 of 4 stars; one submission).

Conditions:
Brody myopathy. Also called: BRODY DISEASE. Identifiers: Orphanet 53347, MedGen C1832918, MONDO:0010977, OMIM 601003.

Allele frequency attached by ClinVar (database versions not stated): gnomAD exomes below 0.00001; TOPMed below 0.00001; ExAC 0.00001; gnomAD 0.00001.
gnomAD v4.1: 5 of 1,614,064 alleles (0.00031%); highest among the groups gnomAD compares: African/African-American, 0.0013%; no homozygotes.

Submission:

Labcorp Genetics (formerly Invitae), Labcorp
Classification: Uncertain significance for Brody myopathy. Last evaluated: 2020-11-11. Review status: criteria provided, single submitter. Criteria: Invitae Variant Classification Sherloc (09022015). Collection method: clinical testing. Allele origin: germline.
Comment: This sequence change replaces alanine with valine at codon 547 of the ATP2A1 protein (p.Ala547Val). The alanine residue is weakly conserved and there is a small physicochemical difference between alanine and valine. This variant is present in population databases (rs770770067, ExAC 0.002%). In summary, the available evidence is currently insufficient to determine the role of this variant in disease. Therefore, it has been classified as a Variant of Uncertain Significance. Algorithms developed to predict the effect of missense changes on protein structure and function (SIFT, PolyPhen-2, Align-GVGD) all suggest that this variant is likely to be tolerated, but these predictions have not been confirmed by published functional studies and their clinical significance is uncertain. This variant has not been reported in the literature in individuals with ATP2A1-related conditions.

NM_004320.6(ATP2A1):c.1640C>T (p.Ala547Val)

Gene: ATP2A1 (ATPase sarcoplasmic/endoplasmic reticulum Ca2+ transporting 1; plus strand). Cytogenetic location: 16p11.2.
Variant type: single nucleotide variant.
Coding change: c.1640C>T on transcript NM_004320.6 (MANE Select); coding-DNA position 1640, C replaced by T.
Protein change: p.Ala547Val; replaces alanine 547 with valine.
Molecular consequence: missense variant.
Genome position (GRCh38, 1-based): chr16:28,898,327, C>T. VCF-style: chr16-28898327-C-T. GRCh37 (hg19) VCF-style: chr16-28909648-C-T.
Other names: c.1265C>T, p.Ala422Val (NM_001286075.2); c.1640C>T, p.Ala547Val (NM_173201.5); short protein forms A422V, A547V.
Identifiers: ClinVar variation 1019134 (VCV001019134.9), dbSNP rs770770067, ClinGen allele CA7987042.